The following is an entry in ClinVar:

ClinVar aggregate classification (germline): Benign. Review status: criteria provided, multiple submitters, no conflicts (2 of 4 stars). 4 submissions from 4 submitters: Benign (4). Last evaluated 2026-02-01.

Conditions:
Fraser syndrome 1 (FRASRS1). Also called: CRYPTOPHTHALMOS WITH OTHER MALFORMATIONS. Identifiers: Orphanet 2052, MedGen C4551480, MONDO:0054737, OMIM 219000.

Allele frequency attached by ClinVar (database versions not stated): gnomAD exomes 0.00215 and 0.00505; ExAC 0.00602; gnomAD 0.01997 and 0.02134; 1000 Genomes Project 0.02137; TOPMed 0.02294; ESP Exome Variant Server 0.02300; 1000 Genomes Project 30x 0.02342.
gnomAD v4.1: 6,315 of 1,611,958 alleles (0.39%); highest among the groups gnomAD compares: African/African-American, 7.1%; 225 homozygotes.

Submissions (4):

Labcorp Genetics (formerly Invitae), Labcorp
Classification: Benign. Last evaluated: 2026-02-01. Review status: criteria provided, single submitter. Criteria: Invitae Variant Classification Sherloc (09022015). Collection method: clinical testing. Allele origin: germline.

Mayo Clinic Laboratories, Mayo Clinic
Classification: Benign. Last evaluated: 2024-12-13. Review status: criteria provided, single submitter. Criteria: ACMG Guidelines, 2015. Collection method: clinical testing. Allele origin: germline. Observed: 3 variant alleles.
Comment: BA1

Illumina Laboratory Services, Illumina
Classification: Benign for Fraser syndrome 1. Last evaluated: 2018-01-13. Review status: criteria provided, single submitter. Criteria: ICSL Variant Classification Criteria 13 December 2019. Collection method: clinical testing. Allele origin: germline.
Comment: This variant was observed in the ICSL laboratory as part of a predisposition screen in an ostensibly healthy population. It had not been previously curated by ICSL or reported in the Human Gene Mutation Database (HGMD: prior to June 1st, 2018), and was therefore a candidate for classification through an automated scoring system. Utilizing variant allele frequency, disease prevalence and penetrance estimates, and inheritance mode, an automated score was calculated to assess if this variant is too frequent to cause the disease. Based on the score and internal cut-off values, a variant classified as benign is not then subjected to further curation. The score for this variant resulted in a classification of benign for this disease.

Breakthrough Genomics
Classification: Benign. Review status: criteria provided, single submitter. Criteria: ACMG Guidelines, 2015. Collection method: not provided. Allele origin: germline. Inheritance: Autosomal recessive inheritance. Affected: yes.

NM_025074.7(FRAS1):c.7633G>A (p.Asp2545Asn)

Gene: FRAS1 (Fraser extracellular matrix complex subunit 1; plus strand). Cytogenetic location: 4q21.21.
Variant type: single nucleotide variant.
Coding change: c.7633G>A on transcript NM_025074.7 (MANE Select); coding-DNA position 7633, G replaced by A.
Protein change: p.Asp2545Asn; replaces aspartic acid 2545 with asparagine.
Molecular consequence: missense variant.
Genome position (GRCh38, 1-based): chr4:78,473,548, G>A. VCF-style: chr4-78473548-G-A. GRCh37 (hg19) VCF-style: chr4-79394702-G-A.
Other names: p.Asp2545Asn; short protein forms D2545N.
Identifiers: ClinVar variation 349756 (VCV000349756.16), dbSNP rs4388111, ClinGen allele CA2978166.